The following is an entry in ClinVar:

ClinVar aggregate classification (germline): Uncertain significance (1 of 4 stars; one submission).

Conditions:
Cardiovascular phenotype. Identifiers: MedGen CN230736.

gnomAD v4.1: 1 of 1,614,056 alleles (0.000062%); highest among the groups gnomAD compares: Non-Finnish European, 0.000085%; no homozygotes.

Submission:

Ambry Genetics
Classification: Uncertain significance for Cardiovascular phenotype. Last evaluated: 2024-11-05. Review status: criteria provided, single submitter. Criteria: Ambry Variant Classification Scheme 2023. Collection method: clinical testing. Allele origin: germline.
Comment: The p.L191F variant (also known as c.571C>T), located in coding exon 4 of the FKTN gene, results from a C to T substitution at nucleotide position 571. The leucine at codon 191 is replaced by phenylalanine, an amino acid with highly similar properties. This amino acid position is conserved. In addition, the in silico prediction for this alteration is inconclusive. Based on the available evidence, the clinical significance of this variant remains unclear.

NM_001079802.2(FKTN):c.571C>T (p.Leu191Phe)

Gene: FKTN (fukutin; plus strand). Cytogenetic location: 9q31.2.
Variant type: single nucleotide variant.
Coding change: c.571C>T on transcript NM_001079802.2 (MANE Select); coding-DNA position 571, C replaced by T.
Protein change: p.Leu191Phe; replaces leucine 191 with phenylalanine.
Molecular consequence: missense variant. On other transcripts: non-coding transcript variant (2).
Genome position (GRCh38, 1-based): chr9:105,604,416, C>T. VCF-style: chr9-105604416-C-T. GRCh37 (hg19) VCF-style: chr9-108366697-C-T.
Other names: c.571C>T, p.Leu191Phe (NM_001198963.2, NM_001351496.2, NM_001351498.2 and 1 more transcripts); c.502C>T, p.Leu168Phe (NM_001351497.2); c.175C>T, p.Leu59Phe (NM_001351499.2, NM_001351500.2, NM_001351501.2 and 1 more transcripts); short protein forms L191F, L59F, L168F.
Identifiers: ClinVar variation 3515592 (VCV003515592.1).